The following is an entry in ClinVar:

ClinVar aggregate classification (germline): Pathogenic. Review status: criteria provided, multiple submitters, no conflicts (2 of 4 stars). 3 submissions from 3 submitters: Pathogenic (3). Last evaluated 2025-11-17.

Conditions:
Glycogen storage disease type III (GSD3). Also called: Cori disease; FORBES DISEASE. Identifiers: Orphanet 366, MedGen C0017922, MONDO:0009291, OMIM 232400.

Submissions (3):

Natera, Inc.
Classification: Pathogenic for Glycogen storage disease type III. Last evaluated: 2025-11-17. Review status: criteria provided, single submitter. Criteria: Natera Variant Classification Schema (03/2026). Collection method: clinical testing. Allele origin: germline.
Comment: The c.4284T>G variant in AGL is a nonsense variant predicted to introduce a stop codon at amino acid 1428. This variant is expected to result in nonsense mediated decay, truncation, or a dysfunctional protein product. This variant is rare in the general population with a frequency below the threshold expected for the associated phenotype(s). This variant has been observed in one or more individuals affected with the associated recessive disease, as either homozygous or compound heterozygous with a second variant (PMID: 36105079). Given the available evidence, this variant is classified as Pathogenic.

Women's Health and Genetics/Laboratory Corporation of America, LabCorp
Classification: Pathogenic for Glycogen storage disease type III. Last evaluated: 2024-04-09. Review status: criteria provided, single submitter. Criteria: LabCorp Variant Classification Summary - May 2015. Collection method: clinical testing. Allele origin: germline.
Comment: Variant summary: AGL c.4284T>G (p.Tyr1428X) results in a premature termination codon, predicted to cause a truncation of the encoded protein or absence of the protein due to nonsense mediated decay, which are commonly known mechanisms for disease. The variant was absent in 250244 control chromosomes. c.4284T>G has been reported in the literature in individuals affected with Glycogen Storage Disease Type III. The following publications have been ascertained in the context of this evaluation (PMID: 36105079, 32772503, 26984562). ClinVar contains an entry for this variant (Variation ID: 2202824). Based on the evidence outlined above, the variant was classified as pathogenic.

Labcorp Genetics (formerly Invitae), Labcorp
Classification: Pathogenic for Glycogen storage disease type III. Last evaluated: 2023-09-18. Review status: criteria provided, single submitter. Criteria: Invitae Variant Classification Sherloc (09022015). Collection method: clinical testing. Allele origin: germline.
Comment: This sequence change creates a premature translational stop signal (p.Tyr1428*) in the AGL gene. It is expected to result in an absent or disrupted protein product. Loss-of-function variants in AGL are known to be pathogenic (PMID: 19299494). For these reasons, this variant has been classified as Pathogenic. ClinVar contains an entry for this variant (Variation ID: 2202824). This premature translational stop signal has been observed in individual(s) with glycogen storage disease type III (PMID: 26984562). This variant is not present in population databases (gnomAD no frequency).

Literature cited by the submitters: PubMed 36105079 (cited by Natera, Inc. and Women's Health and Genetics/Laboratory Corporation of America, LabCorp); PubMed 26984562 (cited by Women's Health and Genetics/Laboratory Corporation of America, LabCorp and Labcorp Genetics (formerly Invitae), Labcorp); PubMed 32772503 (cited by Women's Health and Genetics/Laboratory Corporation of America, LabCorp); PubMed 19299494 (cited by Labcorp Genetics (formerly Invitae), Labcorp).

NM_000642.3(AGL):c.4284T>G (p.Tyr1428Ter)

Gene: AGL (amylo-alpha-1,6-glucosidase and 4-alpha-glucanotransferase; plus strand). Cytogenetic location: 1p21.2.
Variant type: single nucleotide variant.
Coding change: c.4284T>G on transcript NM_000642.3 (MANE Select); coding-DNA position 4284, T replaced by G.
Protein change: p.Tyr1428Ter; replaces tyrosine 1428 with a stop codon.
Molecular consequence: nonsense.
Genome position (GRCh38, 1-based): chr1:99,916,434, T>G. VCF-style: chr1-99916434-T-G. GRCh37 (hg19) VCF-style: chr1-100381990-T-G.
Other names: c.4284T>G, p.Tyr1428Ter (NM_000028.3, NM_000643.3, NM_000644.3 and 1 more transcripts); c.4284T>G (NM_000642.2); c.4236T>G, p.Tyr1412Ter (NM_000646.3); c.4263T>G, p.Tyr1421Ter (NM_001425326.1); c.4083T>G, p.Tyr1361Ter (NM_001425327.1); c.4080T>G, p.Tyr1360Ter (NM_001425328.1); c.3945T>G, p.Tyr1315Ter (NM_001425329.1); c.3906T>G, p.Tyr1302Ter (NM_001425332.1); short protein forms Y1412*, Y1428*, Y1302*, Y1315*, Y1360*, Y1361*, Y1421*.
Identifiers: ClinVar variation 2202824 (VCV002202824.6), dbSNP rs2523861493, ClinGen allele CA341342237.